The following is an entry in ClinVar:

ClinVar aggregate classification (germline): Uncertain significance (1 of 4 stars; one submission).

Conditions:
Cardiovascular phenotype. Identifiers: MedGen CN230736.

Allele frequency attached by ClinVar (database versions not stated): ExAC 0.00001; TOPMed 0.00001.
gnomAD v4.1: 5 of 1,614,036 alleles (0.00031%); highest among the groups gnomAD compares: Non-Finnish European, 0.00034%; no homozygotes.

Submission:

Ambry Genetics
Classification: Uncertain significance for Cardiovascular phenotype. Last evaluated: 2017-06-09. Review status: criteria provided, single submitter. Criteria: Ambry Variant Classification Scheme 2023. Collection method: clinical testing. Allele origin: germline.
Comment: The p.D2002N variant (also known as c.6004G>A), located in coding exon 38 of the ANK2 gene, results from a G to A substitution at nucleotide position 6004. This exon is expressed solely in brain (Mohler PJ et al. Circulation, 2007 Jan;115:432-41). The aspartic acid at codon 2002 is replaced by asparagine, an amino acid with highly similar properties. This amino acid position is highly conserved in available vertebrate species. In addition, the in silico prediction for this alteration is inconclusive. Since supporting evidence is limited at this time, the clinical significance of this alteration remains unclear.

NM_001148.6(ANK2):c.6004G>A (p.Asp2002Asn)

Genes: ANK2 (ankyrin 2; plus strand), LOC126807136 (MED14-independent group 3 enhancer GRCh37_chr4:114274931-114276130; plus strand). Cytogenetic location: 4q26.
Variant type: single nucleotide variant.
Coding change: c.6004G>A on transcript NM_001148.6 (MANE Select); coding-DNA position 6004, G replaced by A.
Protein change: p.Asp2002Asn; replaces aspartic acid 2002 with asparagine.
Molecular consequence: missense variant. On other transcripts: intron variant (68).
Genome position (GRCh38, 1-based): chr4:113,354,622, G>A. VCF-style: chr4-113354622-G-A. GRCh37 (hg19) VCF-style: chr4-114275778-G-A.
Other names: c.6145G>A, p.Asp2049Asn (NM_001386174.1); c.6121G>A, p.Asp2041Asn (NM_001386175.1); c.4411+4373G>A (NM_001386186.2, NM_001386148.2); c.4213+4373G>A (NM_001354269.3); c.4291+4373G>A (NM_001386187.2); c.4252+4373G>A (NM_001386147.1); c.4270+4373G>A (NM_001386160.1); c.4375+4373G>A (NM_001354254.2); and 35 more; short protein forms D1924N, D2049N, D802N, D2002N, D2041N.
Identifiers: ClinVar variation 1751040 (VCV001751040.2), dbSNP rs771713785, ClinGen allele CA3051341.